The following is an entry in ClinVar:

ClinVar aggregate classification (germline): Uncertain significance. Review status: criteria provided, multiple submitters, no conflicts (2 of 4 stars). 2 submissions from 2 submitters: Uncertain significance (2). Last evaluated 2024-08-26.

Conditions:
Inborn genetic diseases. Identifiers: MedGen C0950123, MeSH D030342.
Peroxisome biogenesis disorder. Identifiers: Orphanet 79189, MedGen C1832200, MONDO:0019234. Disease mechanism: loss of function.

Allele frequency attached by ClinVar (database versions not stated): ExAC 0.00002; gnomAD exomes 0.00002 and 0.00003.
gnomAD v4.1: 10 of 1,614,196 alleles (0.00062%); highest among the groups gnomAD compares: Admixed American, 0.017%; no homozygotes.

Submissions (2):

Ambry Genetics
Classification: Uncertain significance for Inborn genetic diseases. Last evaluated: 2024-08-26. Review status: criteria provided, single submitter. Criteria: Ambry Variant Classification Scheme 2023. Collection method: clinical testing. Allele origin: germline.

Labcorp Genetics (formerly Invitae), Labcorp
Classification: Uncertain significance for Peroxisome biogenesis disorder. Last evaluated: 2022-08-22. Review status: criteria provided, single submitter. Criteria: Invitae Variant Classification Sherloc (09022015). Collection method: clinical testing. Allele origin: germline.
Comment: This sequence change replaces phenylalanine, which is neutral and non-polar, with cysteine, which is neutral and slightly polar, at codon 382 of the PEX6 protein (p.Phe382Cys). This variant is present in population databases (rs762401493, gnomAD 0.01%). This variant has not been reported in the literature in individuals affected with PEX6-related conditions. ClinVar contains an entry for this variant (Variation ID: 1380696). Algorithms developed to predict the effect of missense changes on protein structure and function (SIFT, PolyPhen-2, Align-GVGD) all suggest that this variant is likely to be disruptive. In summary, the available evidence is currently insufficient to determine the role of this variant in disease. Therefore, it has been classified as a Variant of Uncertain Significance.

NM_000287.4(PEX6):c.1145T>G (p.Phe382Cys)

Gene: PEX6 (peroxisomal biogenesis factor 6; minus strand). Cytogenetic location: 6p21.1.
Variant type: single nucleotide variant.
Coding change: c.1145T>G on transcript NM_000287.4 (MANE Select); coding-DNA position 1145, T replaced by G.
Protein change: p.Phe382Cys; replaces phenylalanine 382 with cysteine.
Molecular consequence: missense variant. On other transcripts: non-coding transcript variant (1).
Genome position (GRCh38, 1-based): chr6:42,969,973, A>C on the plus strand (T>G on the coding strand, the complement: PEX6 is on the minus strand). VCF-style: chr6-42969973-A-C. GRCh37 (hg19) VCF-style: chr6-42937711-A-C.
Other names: c.881T>G, p.Phe294Cys (NM_001316313.2); c.1145T>G (NM_000287.3); short protein forms F294C, F382C.
Identifiers: ClinVar variation 1380696 (VCV001380696.4), dbSNP rs762401493, ClinGen allele CA3811427.